The following is an entry in ClinVar:

ClinVar aggregate classification (germline): Uncertain significance (1 of 4 stars; one submission).

Conditions:
Tyrosinase-positive oculocutaneous albinism (OCA2). Also called: ALBINISM II; Oculocutaneous albinism type 2; Albinism, oculocutaneous, type II. Identifiers: Orphanet 79432, MedGen C0268495, MONDO:0008746, OMIM 203200.

Submission:

Labcorp Genetics (formerly Invitae), Labcorp
Classification: Uncertain significance. Last evaluated: 2022-06-26. Review status: criteria provided, single submitter. Criteria: Invitae Variant Classification Sherloc (09022015). Collection method: clinical testing. Allele origin: germline.
Comment: This sequence change falls in intron 10 of the OCA2 gene. It does not directly change the encoded amino acid sequence of the OCA2 protein. It affects a nucleotide within the consensus splice site. This variant is not present in population databases (gnomAD no frequency). This variant has not been reported in the literature in individuals affected with OCA2-related conditions. Variants that disrupt the consensus splice site are a relatively common cause of aberrant splicing (PMID: 17576681, 9536098). Algorithms developed to predict the effect of sequence changes on RNA splicing suggest that this variant may create or strengthen a splice site. In summary, the available evidence is currently insufficient to determine the role of this variant in disease. Therefore, it has been classified as a Variant of Uncertain Significance.

Literature cited by the submitters: PubMed 17576681 (cited by Labcorp Genetics (formerly Invitae), Labcorp); PubMed 9536098 (cited by Labcorp Genetics (formerly Invitae), Labcorp).

NM_000275.3(OCA2):c.1116+3A>G

Gene: OCA2 (OCA2 melanosomal transmembrane protein; minus strand). Cytogenetic location: 15q13.1.
Variant type: single nucleotide variant.
Coding change: c.1116+3A>G on transcript NM_000275.3 (MANE Select); 3 bases into the intron after coding-DNA position 1116, A replaced by G.
Molecular consequence: intron variant.
Genome position (GRCh38, 1-based): chr15:27,990,573, T>C on the plus strand (A>G on the coding strand, the complement: OCA2 is on the minus strand). VCF-style: chr15-27990573-T-C. GRCh37 (hg19) VCF-style: chr15-28235719-T-C.
Other names: c.1045-907A>G (NM_001300984.2).
Identifiers: ClinVar variation 2011039 (VCV002011039.5), dbSNP rs2548363255, ClinGen allele CA2580089180.